The following is an entry in ClinVar:

NM_001370259.2(MEN1):c.1119del (p.Asn374fs)

Gene: MEN1 (menin 1; minus strand). Cytogenetic location: 11q13.1.
Variant type: Deletion.
Coding change: c.1119del on transcript NM_001370259.2 (MANE Select); coding-DNA position 1119, one base deleted (C; older notation c.1119delC).
Protein change: p.Asn374fs; shifts the reading frame from asparagine 374.
Molecular consequence: frameshift variant.
Genome position (GRCh38, 1-based): chr11:64,805,701, G deleted on the plus strand (C on the coding strand, the reverse complement: MEN1 is on the minus strand); the first of 4 consecutive G bases (chr11:64,805,701-64,805,704); deleting any one gives the same sequence. VCF-style (leftmost placement, unchanged base first): chr11-64805700-TG-T. GRCh37 (hg19) VCF-style: chr11-64573172-TG-T.
Other names: c.1119delC (NM_130799.2); c.1134del, p.Asn379fs (NM_000244.4, NM_130800.3, NM_130801.3 and 3 more transcripts); c.1245del, p.Asn416fs (NM_001370251.2); c.1119del, p.Asn374fs (NM_001370260.2, NM_001370261.2, NM_130799.3); c.1014del, p.Asn339fs (NM_001370262.2, NM_001370263.2); c.1242delC, p.Asn416Thrfs (NM_001407142.1, NM_001407143.1, NM_001407144.1); c.1131delC, p.Asn379Thrfs (NM_001407145.1); c.1116delC, p.Asn374Thrfs (NM_001407146.1, NM_001407147.1, NM_001407152.1); and 3 more; short protein forms N339fs, N416fs, N374fs, N379fs.
Identifiers: ClinVar variation 1992392 (VCV001992392.2), dbSNP rs2497158517, ClinGen allele CA474983118.
Genomic context (GRCh38, chr11:64,805,700, plus strand): 5'-TTTGCTCCCCCGGCCGCTCCTCGCCCGCCTCCAGCAAGCTGGCTGCCTCCTTCAGCAGGT[TG>T]GGGATGACATCATTGGCTACTTCAAAGAACTCCTTGTAGATCTCCTCGTCTTCCCGGCAG-3'

ClinVar aggregate classification (germline): Pathogenic. Review status: criteria provided, multiple submitters, no conflicts (2 of 4 stars). 2 submissions from 2 submitters: Pathogenic (2). Last evaluated 2025-03-28.

Conditions:
Multiple endocrine neoplasia, type 1 (MEN1). Also called: MEA I; MEN I; WERMER SYNDROME; Endocrine adenomatosis multiple; MEN 1. Identifiers: Orphanet 652, MedGen C0025267, MeSH D018761, MONDO:0007540, OMIM 131100.

Submissions (2):

Labcorp Genetics (formerly Invitae), Labcorp
Classification: Pathogenic for Multiple endocrine neoplasia, type 1. Last evaluated: 2025-03-28. Review status: criteria provided, single submitter. Criteria: Invitae Variant Classification Sherloc (09022015). Collection method: clinical testing. Allele origin: germline.
Comment: This sequence change creates a premature translational stop signal (p.Asn374Thrfs*3) in the MEN1 gene. It is expected to result in an absent or disrupted protein product. Loss-of-function variants in MEN1 are known to be pathogenic (PMID: 12112656, 17853334). This variant is not present in population databases (gnomAD no frequency). This premature translational stop signal has been observed in individual(s) with multiple endocrine neoplasia type 1 (PMID: 9463336). ClinVar contains an entry for this variant (Variation ID: 1992392). Algorithms developed to predict the effect of sequence changes on RNA splicing suggest that this variant may disrupt the consensus splice site. For these reasons, this variant has been classified as Pathogenic.

MVZ Martinsried, Medicover Genetics
Classification: Pathogenic for Multiple endocrine neoplasia, type 1. Last evaluated: 2022-04-12. Review status: criteria provided, single submitter. Criteria: ACGS Guidelines, 2020. Collection method: clinical testing. Allele origin: germline. Affected: yes.

Literature cited by the submitters: PubMed 12112656 (cited by Labcorp Genetics (formerly Invitae), Labcorp); PubMed 17853334 (cited by Labcorp Genetics (formerly Invitae), Labcorp); PubMed 9463336 (cited by Labcorp Genetics (formerly Invitae), Labcorp).